The following is an entry in ClinVar:

ClinVar aggregate classification (germline): Uncertain significance (1 of 4 stars; one submission).

Conditions:
Lynch syndrome. Identifiers: Orphanet 144, MedGen C4552100, MONDO:0005835. Disease mechanism: loss of function.

Submission:

University of Washington Department of Laboratory Medicine, University of Washington
Classification: Uncertain significance for Lynch syndrome. Last evaluated: 2018-05-01. Review status: criteria provided, single submitter. Criteria: Shirts BH et al. (Am J Hum Genet 2018). Collection method: clinical testing. Allele origin: somatic. Affected: yes.
Comment: MSH6 NM_000179.2:c.2743G>T has a 10.4% probability of pathogenicity based on combining prior probability from public data with a likelihood ratio of 0.20 to 1, generated from evidence of seeing this as a somatic mutation in a tumor without loss of heterozygosity at the MSH6 locus. See Shirts et al 2018, PMID 29887214.

NM_000179.3(MSH6):c.2743G>T (p.Ala915Ser)

Gene: MSH6 (mutS homolog 6; plus strand). Cytogenetic location: 2p16.3.
Variant type: single nucleotide variant.
Coding change: c.2743G>T on transcript NM_000179.3 (MANE Select); coding-DNA position 2743, G replaced by T.
Protein change: p.Ala915Ser; replaces alanine 915 with serine.
Molecular consequence: missense variant.
Genome position (GRCh38, 1-based): chr2:47,800,726, G>T. VCF-style: chr2-47800726-G-T. GRCh37 (hg19) VCF-style: chr2-48027865-G-T.
Other names: c.2353G>T, p.Ala785Ser (NM_001281492.2); c.1837G>T, p.Ala613Ser (NM_001281493.2, NM_001281494.2); short protein forms A915S, A785S, A613S.
Identifiers: ClinVar variation 619579 (VCV000619579.3), dbSNP rs1558666565, ClinGen allele CA346755402.